The following is an entry in ClinVar:

ClinVar aggregate classification (germline): Likely pathogenic (1 of 4 stars; one submission).

Conditions:
Familial thoracic aortic aneurysm and aortic dissection (TAAD). Also called: Thoracic aortic aneurysms and dissections. Identifiers: Orphanet 91387, MedGen C4707243, MONDO:0019625.

Submission:

Ambry Genetics
Classification: Likely pathogenic for Familial thoracic aortic aneurysm and aortic dissection. Last evaluated: 2019-09-21. Review status: criteria provided, single submitter. Criteria: Ambry Variant Classification Scheme 2023. Collection method: clinical testing. Allele origin: germline.
Comment: The c.1783_1784insAlu likely pathogenic variant results from an Alu element insertion within coding exon 14 of the FBN1 gene. Alu insertions into exonic regions are expected to disrupt gene function (Kim S et al. Genomics Inform., 2016 Sep;14(3):70-7). Based on the majority of available evidence to date, this variant is likely to be pathogenic.

NM_000138.4:c.1783_1784insALU

Gene: FBN1 (fibrillin 1; minus strand).
Variant type: Insertion.
Identifiers: ClinVar variation 1780036 (VCV001780036.2).